The following is an entry in ClinVar:

ClinVar aggregate classification (germline): Pathogenic (1 of 4 stars; one submission).

Conditions:
Early-infantile DEE. Also called: Early infantile epileptic encephalopathy; Early infantile epileptic encephalopathy with suppression bursts; Ohtahara syndrome. Identifiers: Orphanet 1934, MedGen C0393706, MONDO:0800491.

Submission:

Labcorp Genetics (formerly Invitae), Labcorp
Classification: Pathogenic for Early-infantile DEE. Last evaluated: 2023-02-19. Review status: criteria provided, single submitter. Criteria: Invitae Variant Classification Sherloc (09022015). Collection method: clinical testing. Allele origin: germline.
Comment: For these reasons, this variant has been classified as Pathogenic. Advanced modeling of protein sequence and biophysical properties (such as structural, functional, and spatial information, amino acid conservation, physicochemical variation, residue mobility, and thermodynamic stability) performed at Invitae indicates that this missense variant is expected to disrupt SCN1A protein function. ClinVar contains an entry for this variant (Variation ID: 859283). This missense change has been observed in individual(s) with clinical features of SCN1A-related conditions (PMID: 31009440; Invitae). In at least one individual the variant was observed to be de novo. This variant is not present in population databases (gnomAD no frequency). This sequence change replaces phenylalanine, which is neutral and non-polar, with serine, which is neutral and polar, at codon 1815 of the SCN1A protein (p.Phe1815Ser).

Literature cited by the submitters: PubMed 31009440.

NM_001165963.4(SCN1A):c.5444T>C (p.Phe1815Ser)

Genes: SCN1A (sodium voltage-gated channel alpha subunit 1; minus strand), LOC102724058 (uncharacterized LOC102724058; plus strand). Cytogenetic location: 2q24.3.
Variant type: single nucleotide variant.
Coding change: c.5444T>C on transcript NM_001165963.4 (MANE Select); coding-DNA position 5444, T replaced by C.
Protein change: p.Phe1815Ser; replaces phenylalanine 1815 with serine.
Molecular consequence: missense variant. On other transcripts: non-coding transcript variant (1).
Genome position (GRCh38, 1-based): chr2:165,991,831, A>G on the plus strand (T>C on the coding strand, the complement: SCN1A is on the minus strand). VCF-style: chr2-165991831-A-G. GRCh37 (hg19) VCF-style: chr2-166848341-A-G.
Other names: c.5360T>C, p.Phe1787Ser (NM_001165964.3, NM_001353957.2, NM_001353958.2); c.5444T>C, p.Phe1815Ser (NM_001202435.3, NM_001353948.2); c.5411T>C, p.Phe1804Ser (NM_001353949.2, NM_001353950.2, NM_001353951.2 and 2 more transcripts); c.5408T>C, p.Phe1803Ser (NM_001353954.2, NM_001353955.2); c.5357T>C, p.Phe1786Ser (NM_001353960.2); c.3002T>C, p.Phe1001Ser (NM_001353961.2); short protein forms F1815S, F1787S, F1803S, F1001S, F1786S, F1804S.
Identifiers: ClinVar variation 859283 (VCV000859283.10), dbSNP rs1689211569, ClinGen allele CA349067529.